The following is an entry in ClinVar:

NM_000548.5(TSC2):c.5160+23G>A

Gene: TSC2 (TSC complex subunit 2; plus strand). Cytogenetic location: 16p13.3.
Variant type: single nucleotide variant.
Coding change: c.5160+23G>A on transcript NM_000548.5 (MANE Select); 23 bases into the intron after coding-DNA position 5160, G replaced by A.
Molecular consequence: intron variant.
Genome position (GRCh38, 1-based): chr16:2,088,162, G>A. VCF-style: chr16-2088162-G-A. GRCh37 (hg19) VCF-style: chr16-2138163-G-A.
Other names: c.5091+23G>A (NM_001114382.3); c.5031+23G>A (NM_021055.3, NM_001370405.1); c.4962+23G>A (NM_001363528.2); c.5028+23G>A (NM_001370404.1); c.4959+23G>A (NM_001077183.3); c.4851+23G>A (NM_001318827.2); c.4428+23G>A (NM_001318831.2); c.4815+23G>A (NM_001318829.2); and 2 more.
Identifiers: ClinVar variation 65187 (VCV000065187.11), dbSNP rs368565375, ClinGen allele CA021929.
Genomic context (GRCh38, chr16:2,088,162, plus strand): 5'-TGCCCTTCGTGGCCCGCCAGATGGCCCTGCACGCAAATGTGAGTGGGGGTGGGTCCAGGC[G>A]TGAGCTGGTGGGACAGGCCCAGGTGCCACCTGATAGTGAGCTCACCCCCTGCCTACGTCC-3'

ClinVar aggregate classification (germline): Likely benign. Review status: criteria provided, single submitter (1 of 4 stars). 3 submissions from 3 submitters: Likely benign (1). 2 of the submissions do not count toward it. Last evaluated 2026-07-01.

Conditions:
TSC2-related disorder. Also called: TSC2-related condition; TSC2-Related Disorders.
Tuberous sclerosis syndrome (TSC). Also called: Tuberous Sclerosis Complex; Tuberous sclerosis. Identifiers: Orphanet 805, MedGen C0041341, MONDO:0001734.

Allele frequency attached by ClinVar (database versions not stated): TOPMed 0.00008; gnomAD 0.00012 and 0.00013; gnomAD exomes 0.00006; ESP Exome Variant Server 0.00008.
gnomAD v4.1: 122 of 1,612,906 alleles (0.0076%); highest among the groups gnomAD compares: Admixed American, 0.023%; no homozygotes.

Submissions (3):

CeGaT Center for Human Genetics Tuebingen
Classification: Likely benign. Last evaluated: 2026-07-01. Review status: criteria provided, single submitter. Criteria: CeGaT Center For Human Genetics Tuebingen Variant Classification Criteria Version 2. Collection method: clinical testing. Allele origin: germline. Affected: yes. Observed: 3 variant alleles.
Comment: TSC2: BS2

PreventionGenetics, part of Exact Sciences
Classification: Benign for TSC2-related condition. Last evaluated: 2021-01-22. Review status: no assertion criteria provided. Collection method: clinical testing. Allele origin: germline. Not counted in ClinVar's aggregate classification.
Comment: This variant is classified as benign based on ACMG/AMP sequence variant interpretation guidelines (Richards et al. 2015 PMID: 25741868, with internal and published modifications).

Tuberous sclerosis database (TSC2)
No classification provided. Condition: TSC. Review status: no classification provided. Criteria: Tuberous Sclerosis Database Assertion Criteria 2015. Collection method: curation. Allele origin: germline. Affected: yes. Not counted in ClinVar's aggregate classification.